The following is an entry in ClinVar:

ClinVar aggregate classification (germline): Likely benign (1 of 4 stars; one submission).

gnomAD v4.1: 2 of 1,614,166 alleles (0.00012%); highest among the groups gnomAD compares: South Asian, 0.0011%; no homozygotes.

Submission:

CeGaT Center for Human Genetics Tuebingen
Classification: Likely benign. Last evaluated: 2026-06-01. Review status: criteria provided, single submitter. Criteria: CeGaT Center For Human Genetics Tuebingen Variant Classification Criteria Version 2. Collection method: clinical testing. Allele origin: germline. Affected: yes. Observed: 1 variant allele.
Comment: SMARCD1: BP4, BP7

NM_003076.5(SMARCD1):c.1446C>T (p.Tyr482=)

Gene: SMARCD1 (SWI/SNF related BAF chromatin remodeling complex subunit D1; plus strand). Cytogenetic location: 12q13.12.
Variant type: single nucleotide variant.
Coding change: c.1446C>T on transcript NM_003076.5 (MANE Select); coding-DNA position 1446, C replaced by T.
Protein change: p.Tyr482=; no amino-acid change (tyrosine 482 retained).
Molecular consequence: synonymous variant.
Genome position (GRCh38, 1-based): chr12:50,098,767, C>T. VCF-style: chr12-50098767-C-T. GRCh37 (hg19) VCF-style: chr12-50492550-C-T.
Other names: c.1323C>T, p.Tyr441= (NM_139071.3).
Identifiers: ClinVar variation 4875195 (VCV004875195.2).